The following is an entry in ClinVar:

NM_000466.3(PEX1):c.260C>T (p.Ser87Leu)

Gene: PEX1 (peroxisomal biogenesis factor 1; minus strand). Cytogenetic location: 7q21.2.
Variant type: single nucleotide variant.
Coding change: c.260C>T on transcript NM_000466.3 (MANE Select); coding-DNA position 260, C replaced by T.
Protein change: p.Ser87Leu; replaces serine 87 with leucine.
Molecular consequence: missense variant. On other transcripts: 5 prime UTR variant (1).
Genome position (GRCh38, 1-based): chr7:92,522,115, G>A on the plus strand (C>T on the coding strand, the complement: PEX1 is on the minus strand). VCF-style: chr7-92522115-G-A. GRCh37 (hg19) VCF-style: chr7-92151429-G-A.
Other names: c.260C>T, p.Ser87Leu (NM_001282677.2); c.-400C>T (NM_001282678.2); c.260C>T (NM_000466.2); short protein forms S87L.
Identifiers: ClinVar variation 2171629 (VCV002171629.3), dbSNP rs939792327, ClinGen allele CA161978902.

ClinVar aggregate classification (germline): Uncertain significance. Review status: criteria provided, multiple submitters, no conflicts (2 of 4 stars). 3 submissions from 3 submitters: Uncertain significance (3). Last evaluated 2025-09-09.

Conditions:
Zellweger spectrum disorders (ZS). Also called: Zellweger syndrome; Zellweger Spectrum Disorder; Zellweger Spectrum; Zellweger Spectrum Disorder (ZSD). Identifiers: Orphanet 912, MedGen C0043459, MONDO:0019609.
PEX1-related disorder. Also called: PEX1-related condition.
Inborn genetic diseases. Identifiers: MedGen C0950123, MeSH D030342.

Allele frequency attached by ClinVar (database versions not stated): gnomAD 0.00001; TOPMed 0.00001.
gnomAD v4.1: 10 of 1,613,894 alleles (0.00062%); highest among the groups gnomAD compares: Non-Finnish European, 0.00076%; no homozygotes.

Submissions (3):

PreventionGenetics, part of Exact Sciences
Classification: Uncertain significance for PEX1-related condition. Last evaluated: 2025-09-09. Review status: criteria provided, single submitter. Criteria: ACMG Guidelines, 2015. Collection method: clinical testing. Allele origin: germline.
Comment: The PEX1 c.260C>T variant is predicted to result in the amino acid substitution p.Ser87Leu. To our knowledge, this variant has not been reported in the literature. This variant is reported in 0.00088% of alleles in individuals of European (Non-Finnish) descent in gnomAD. At this time, the clinical significance of this variant is uncertain due to the absence of conclusive functional and genetic evidence.

Ambry Genetics
Classification: Uncertain significance for Inborn genetic diseases. Last evaluated: 2025-02-04. Review status: criteria provided, single submitter. Criteria: Ambry Variant Classification Scheme 2023. Collection method: clinical testing. Allele origin: germline.

Labcorp Genetics (formerly Invitae), Labcorp
Classification: Uncertain significance for Zellweger spectrum disorders. Last evaluated: 2022-03-13. Review status: criteria provided, single submitter. Criteria: Invitae Variant Classification Sherloc (09022015). Collection method: clinical testing. Allele origin: germline.
Comment: This sequence change replaces serine, which is neutral and polar, with leucine, which is neutral and non-polar, at codon 87 of the PEX1 protein (p.Ser87Leu). This variant is present in population databases (no rsID available, gnomAD 0.0009%). This variant has not been reported in the literature in individuals affected with PEX1-related conditions. Algorithms developed to predict the effect of missense changes on protein structure and function (SIFT, PolyPhen-2, Align-GVGD) all suggest that this variant is likely to be tolerated. In summary, the available evidence is currently insufficient to determine the role of this variant in disease. Therefore, it has been classified as a Variant of Uncertain Significance.